The following is an entry in ClinVar:

NM_017636.4(TRPM4):c.2254C>T (p.Gln752Ter)

Gene: TRPM4 (transient receptor potential cation channel subfamily M member 4; plus strand). Cytogenetic location: 19q13.33.
Variant type: single nucleotide variant.
Coding change: c.2254C>T on transcript NM_017636.4 (MANE Select); coding-DNA position 2254, C replaced by T.
Protein change: p.Gln752Ter; replaces glutamine 752 with a stop codon.
Molecular consequence: nonsense. On other transcripts: intron variant (1).
Genome position (GRCh38, 1-based): chr19:49,196,483, C>T. VCF-style: chr19-49196483-C-T. GRCh37 (hg19) VCF-style: chr19-49699740-C-T.
Other names: c.1909C>T, p.Gln637Ter (NM_001321281.2); c.646C>T, p.Gln216Ter (NM_001321282.2); c.1732C>T, p.Gln578Ter (NM_001321283.2); c.1192C>T, p.Gln398Ter (NM_001321285.2); c.2211-3817C>T (NM_001195227.2); short protein forms Q752*, Q398*, Q578*, Q637*, Q216*.
Identifiers: ClinVar variation 373748 (VCV000373748.45), dbSNP rs769917929, ClinGen allele CA9569507.

ClinVar aggregate classification (germline): Conflicting classifications of pathogenicity. Review status: criteria provided, conflicting classifications (1 of 4 stars). 6 submissions from 6 submitters: Uncertain significance (2); Benign (1); Likely benign (2). 1 of the submissions does not count toward it. Last evaluated 2025-12-16.

Conditions:
Progressive familial heart block type IB (PFHB1B). Identifiers: Orphanet 871, MedGen C1970298, MONDO:0011474, OMIM 604559.
TRPM4-related disorder. Also called: TRPM4-related condition; TRPM4-related disorders. Identifiers: MedGen CN239424.
Cardiovascular phenotype. Identifiers: MedGen CN230736.

Allele frequency attached by ClinVar (database versions not stated): gnomAD exomes 0.00034 and 0.00075; gnomAD 0.00038 and 0.00041; TOPMed 0.00041; ExAC 0.00183.
gnomAD v4.1: 576 of 1,555,324 alleles (0.037%); highest among the groups gnomAD compares: Non-Finnish European, 0.01%; 5 homozygotes.

Submissions (6):

Labcorp Genetics (formerly Invitae), Labcorp
Classification: Benign for Progressive familial heart block type IB. Last evaluated: 2025-12-16. Review status: criteria provided, single submitter. Criteria: Invitae Variant Classification Sherloc (09022015). Collection method: clinical testing. Allele origin: germline.

CeGaT Center for Human Genetics Tuebingen
Classification: Likely benign. Last evaluated: 2023-06-01. Review status: criteria provided, single submitter. Criteria: CeGaT Center For Human Genetics Tuebingen Variant Classification Criteria Version 2. Collection method: clinical testing. Allele origin: germline. Affected: yes. Observed: 1 variant allele.
Comment: TRPM4: BS2

Illumina Laboratory Services, Illumina
Classification: Uncertain significance for Progressive familial heart block type IB. Last evaluated: 2019-01-09. Review status: criteria provided, single submitter. Criteria: ICSL Variant Classification Criteria 13 December 2019. Collection method: clinical testing. Allele origin: germline.

Ambry Genetics
Classification: Likely benign for Cardiovascular phenotype. Last evaluated: 2018-02-22. Review status: criteria provided, single submitter. Criteria: Ambry Variant Classification Scheme 2023. Collection method: clinical testing. Allele origin: germline.

GeneDx
Classification: Uncertain significance. Last evaluated: 2016-12-09. Review status: criteria provided, single submitter. Criteria: GeneDx Variant Classification (06012015). Collection method: clinical testing. Allele origin: germline. Affected: yes.
Comment: A variant of uncertain significance has been identified in the TRPM4 gene. The Q752X variant has not been published as a pathogenic variant, nor has it been reported as a benign variant to our knowledge. Q752X is predicted to cause loss of normal protein function either by protein truncation or nonsense-mediated mRNA decay. Nevertheless, only one nonsense variant (W525X) has been reported in HGMD in association with sudden unexpected death in infancy (Stenson et al., 2014), and haploinsufficiency is not a well-established disease mechanism for the TRPM4 gene. Moreover, the Exome Aggregation Consortium reports Q752X was observed in 26/5080 (0.5%) alleles from individuals of European (Non-Finnish) background, indicating it may be a rare benign variant in these populations.

PreventionGenetics, part of Exact Sciences
Classification: Likely benign for TRPM4-related condition. Last evaluated: 2022-08-26. Review status: no assertion criteria provided. Collection method: clinical testing. Allele origin: germline. Not counted in ClinVar's aggregate classification.
Comment: This variant is classified as likely benign based on ACMG/AMP sequence variant interpretation guidelines (Richards et al. 2015 PMID: 25741868, with internal and published modifications).